The following is an entry in ClinVar:

NM_152618.3(BBS12):c.1823A>G (p.Asn608Ser)

Gene: BBS12 (Bardet-Biedl syndrome 12; plus strand). Cytogenetic location: 4q27.
Variant type: single nucleotide variant.
Coding change: c.1823A>G on transcript NM_152618.3 (MANE Select); coding-DNA position 1823, A replaced by G.
Protein change: p.Asn608Ser; replaces asparagine 608 with serine.
Molecular consequence: missense variant.
Genome position (GRCh38, 1-based): chr4:122,743,715, A>G. VCF-style: chr4-122743715-A-G. GRCh37 (hg19) VCF-style: chr4-123664870-A-G.
Other names: c.1823A>G, p.Asn608Ser (NM_001178007.2); c.1823A>G (NM_152618.2); short protein forms N608S.
Identifiers: ClinVar variation 1501668 (VCV001501668.4), dbSNP rs184225705, ClinGen allele CA3069513.

ClinVar aggregate classification (germline): Uncertain significance. Review status: criteria provided, multiple submitters, no conflicts (2 of 4 stars). 2 submissions from 2 submitters: Uncertain significance (2). Last evaluated 2024-11-02.

Conditions:
BBS12-related disorder. Also called: BBS12-related condition.
Bardet-Biedl syndrome (BBS). Identifiers: Orphanet 110, MedGen C0752166, MONDO:0015229.

Allele frequency attached by ClinVar (database versions not stated): gnomAD 0.00001 and 0.00003; gnomAD exomes 0.00001 and 0.00007; TOPMed 0.00001; ExAC 0.00002; 1000 Genomes Project 30x 0.00016; 1000 Genomes Project 0.00020.
gnomAD v4.1: 44 of 1,614,218 alleles (0.0027%); highest among the groups gnomAD compares: East Asian, 0.094%; no homozygotes.

Submissions (2):

PreventionGenetics, part of Exact Sciences
Classification: Uncertain significance for BBS12-related condition. Last evaluated: 2024-11-02. Review status: criteria provided, single submitter. Criteria: ACMG Guidelines, 2015. Collection method: clinical testing. Allele origin: germline.
Comment: The BBS12 c.1823A>G variant is predicted to result in the amino acid substitution p.Asn608Ser. To our knowledge, this variant has not been reported in the literature. This variant is reported in 0.0054% of alleles in individuals of East Asian descent in gnomAD. At this time, the clinical significance of this variant is uncertain due to the absence of conclusive functional and genetic evidence.

Labcorp Genetics (formerly Invitae), Labcorp
Classification: Uncertain significance for Bardet-Biedl syndrome. Last evaluated: 2021-11-02. Review status: criteria provided, single submitter. Criteria: Invitae Variant Classification Sherloc (09022015). Collection method: clinical testing. Allele origin: germline.
Comment: This sequence change replaces asparagine, which is neutral and polar, with serine, which is neutral and polar, at codon 608 of the BBS12 protein (p.Asn608Ser). This variant is present in population databases (rs184225705, gnomAD 0.006%). This variant has not been reported in the literature in individuals affected with BBS12-related conditions. Algorithms developed to predict the effect of missense changes on protein structure and function output the following: SIFT: "Tolerated"; PolyPhen-2: "Benign"; Align-GVGD: "Class C0". The serine amino acid residue is found in multiple mammalian species, which suggests that this missense change does not adversely affect protein function. Algorithms developed to predict the effect of sequence changes on RNA splicing suggest that this variant may create or strengthen a splice site. In summary, the available evidence is currently insufficient to determine the role of this variant in disease. Therefore, it has been classified as a Variant of Uncertain Significance.